The following is an entry in ClinVar:

ClinVar aggregate classification (germline): Uncertain significance (1 of 4 stars; one submission).

Submission:

GeneDx
Classification: Uncertain significance. Last evaluated: 2019-08-16. Review status: criteria provided, single submitter. Criteria: GeneDx Variant Classification Process June 2021. Collection method: clinical testing. Allele origin: germline. Affected: yes.
Comment: Not observed in large population cohorts (Lek et al., 2016); In silico analysis, which includes protein predictors and evolutionary conservation, supports that this variant does not alter protein structure/function; Has not been previously published as pathogenic or benign to our knowledge

NM_001378454.1(ALMS1):c.1874_1876delinsAAA (p.Arg625_Glu626delinsLysLys)

Gene: ALMS1 (ALMS1 centrosome and basal body associated protein; plus strand). Cytogenetic location: 2p13.1.
Variant type: Indel.
Coding change: c.1874_1876delinsAAA on transcript NM_001378454.1 (MANE Select); coding-DNA positions 1874 to 1876, GAG replaced by AAA.
Protein change: p.Arg625_Glu626delinsLysLys.
Molecular consequence: missense variant.
Genome position (GRCh38, 1-based): chr2:73,448,401-73,448,403, GAG replaced by AAA. VCF-style: chr2-73448401-GAG-AAA. GRCh37 (hg19) VCF-style: chr2-73675528-GAG-AAA.
Other names: c.1877_1879delinsAAA, p.Arg626_Glu627delinsLysLys (NM_015120.4).
Identifiers: ClinVar variation 1303862 (VCV001303862.2), dbSNP rs2103772611, ClinGen allele CA2573052018.
Genomic context (GRCh38, chr2:73,448,401, plus strand): 5'-CTGGACTAGCTGACCAGACAACTGGCATGTCAACTCTAACCTCTACTTCCTACTCACATA[GAG>AAA]AGAAGCCTGGTACTTTTTACCAACAAGAGTTACCAGAGAGTAACTTAACCGAAGAGCCTT-3'